The following is an entry in ClinVar:

ClinVar aggregate classification (germline): Uncertain significance (1 of 4 stars; one submission).

Conditions:
Idiopathic generalized epilepsy. Also called: Generalised epilepsy; EIG. Identifiers: MedGen C0270850, MONDO:0005579, OMIM 600669.

Allele frequency attached by ClinVar (database versions not stated): gnomAD exomes below 0.00001; TOPMed below 0.00001; gnomAD 0.00001.
gnomAD v4.1: 3 of 1,611,706 alleles (0.00019%); highest among the groups gnomAD compares: African/African-American, 0.0027%; no homozygotes.

Submission:

Labcorp Genetics (formerly Invitae), Labcorp
Classification: Uncertain significance for Idiopathic generalized epilepsy. Last evaluated: 2024-06-02. Review status: criteria provided, single submitter. Criteria: Invitae Variant Classification Sherloc (09022015). Collection method: clinical testing. Allele origin: germline.
Comment: This sequence change replaces alanine, which is neutral and non-polar, with threonine, which is neutral and polar, at codon 35 of the RBFOX1 protein (p.Ala35Thr). This variant is not present in population databases (gnomAD no frequency). This variant has not been reported in the literature in individuals affected with RBFOX1-related conditions. ClinVar contains an entry for this variant (Variation ID: 1484603). Advanced modeling of protein sequence and biophysical properties (such as structural, functional, and spatial information, amino acid conservation, physicochemical variation, residue mobility, and thermodynamic stability) performed at Invitae indicates that this missense variant is not expected to disrupt RBFOX1 protein function with a negative predictive value of 80%. In summary, the available evidence is currently insufficient to determine the role of this variant in disease. Therefore, it has been classified as a Variant of Uncertain Significance.

NM_018723.4(RBFOX1):c.43G>A (p.Ala15Thr)

Gene: RBFOX1 (RNA binding fox-1 homolog 1; plus strand). Cytogenetic location: 16p13.3.
Variant type: single nucleotide variant.
Coding change: c.43G>A on transcript NM_018723.4 (MANE Select); coding-DNA position 43, G replaced by A.
Protein change: p.Ala15Thr; replaces alanine 15 with threonine.
Molecular consequence: missense variant.
Genome position (GRCh38, 1-based): chr16:7,518,162, G>A. VCF-style: chr16-7518162-G-A. GRCh37 (hg19) VCF-style: chr16-7568164-G-A.
Other names: c.43G>A, p.Ala15Thr (NM_001142333.2, NM_001142334.2, NM_001364800.2); c.172G>A, p.Ala58Thr (NM_001308117.1); c.103G>A, p.Ala35Thr (NM_145891.3, NM_145892.3, NM_145893.3); short protein forms A58T, A15T, A35T.
Identifiers: ClinVar variation 1484603 (VCV001484603.6), dbSNP rs1013691536, ClinGen allele CA394796332.